The following is an entry in ClinVar:

ClinVar aggregate classification (germline): Uncertain significance (1 of 4 stars; one submission).

gnomAD v4.1: 1 of 1,614,060 alleles (0.000062%); highest among the groups gnomAD compares: Non-Finnish European, 0.000085%; no homozygotes.

Submission:

GeneDx
Classification: Uncertain significance. Last evaluated: 2024-12-03. Review status: criteria provided, single submitter. Criteria: GeneDx Variant Classification Process June 2021. Collection method: clinical testing. Allele origin: germline. Affected: yes.
Comment: Not observed at significant frequency in large population cohorts (gnomAD); In silico analysis supports that this missense variant has a deleterious effect on protein structure/function; Has not been previously published as pathogenic or benign to our knowledge

NM_007103.4(NDUFV1):c.874A>G (p.Met292Val)

Gene: NDUFV1 (NADH:ubiquinone oxidoreductase core subunit V1; plus strand). Cytogenetic location: 11q13.2.
Variant type: single nucleotide variant.
Coding change: c.874A>G on transcript NM_007103.4 (MANE Select); coding-DNA position 874, A replaced by G.
Protein change: p.Met292Val; replaces methionine 292 with valine.
Molecular consequence: missense variant.
Genome position (GRCh38, 1-based): chr11:67,611,168, A>G. VCF-style: chr11-67611168-A-G. GRCh37 (hg19) VCF-style: chr11-67378639-A-G.
Other names: c.847A>G, p.Met283Val (NM_001166102.2); short protein forms M283V, M292V.
Identifiers: ClinVar variation 3901652 (VCV003901652.1).
Genomic context (GRCh38, chr11:67,611,168, plus strand): 5'-GGCACCAAACTATTCAACATCTCTGGCCATGTCAACCACCCTTGCACTGTGGAGGAGGAG[A>G]TGTCTGTGCCCTTGAAAGAACTGATTGAGAAGCATGCTGGTAAGGCCTGGGGCCAGCCAG-3'
Protein context (NP_009034.2, residues 282-302): VNHPCTVEEE[Met292Val]SVPLKELIEK